The following is an entry in ClinVar:

ClinVar aggregate classification (germline): Pathogenic. Review status: criteria provided, multiple submitters, no conflicts (2 of 4 stars). 7 submissions from 7 submitters: Pathogenic (4). 3 of the submissions do not count toward it. Last evaluated 2025-05-21.

Conditions:
Primary hyperoxaluria. Identifiers: Orphanet 416, MedGen C0020501, MONDO:0002474.
Primary hyperoxaluria, type I (HP1). Also called: GLYCOLIC ACIDURIA; HEPATIC AGT DEFICIENCY; OXALOSIS I; Primary hyperoxaluria type 1. Identifiers: Orphanet 416, Orphanet 93598, MedGen C0268164, MONDO:0009823, OMIM 259900. Disease mechanism: loss of function.

Submissions (7):

Natera, Inc.
Classification: Pathogenic for Primary hyperoxaluria type I. Last evaluated: 2025-05-21. Review status: criteria provided, single submitter. Criteria: Natera Variant Classification Schema (03/2026). Collection method: clinical testing. Allele origin: germline.
Comment: The c.577delC variant in AGXT is a frameshift variant predicted to shift the reading frame beginning at codon 193 and leads to a stop codon 19 codons downstream. This variant is expected to result in nonsense mediated decay, truncation, or a dysfunctional protein product. This variant is rare in the general population with a frequency below the threshold expected for the associated phenotype(s). This variant has been observed in one or more individuals affected with the associated recessive disease, as either homozygous or compound heterozygous with a second variant (PMID: 34031707). Given the available evidence, this variant is classified as Pathogenic.

Labcorp Genetics (formerly Invitae), Labcorp
Classification: Pathogenic. Last evaluated: 2024-01-08. Review status: criteria provided, single submitter. Criteria: Invitae Variant Classification Sherloc (09022015). Collection method: clinical testing. Allele origin: germline.
Comment: This sequence change creates a premature translational stop signal (p.Leu193Phefs*19) in the AGXT gene. It is expected to result in an absent or disrupted protein product. Loss-of-function variants in AGXT are known to be pathogenic (PMID: 19479957). This variant is present in population databases (rs754693216, gnomAD 0.006%). This premature translational stop signal has been observed in individual(s) with hyperoxaluria (PMID: 30488096). ClinVar contains an entry for this variant (Variation ID: 204191). For these reasons, this variant has been classified as Pathogenic.

Women's Health and Genetics/Laboratory Corporation of America, LabCorp
Classification: Pathogenic for Primary hyperoxaluria. Last evaluated: 2022-02-25. Review status: criteria provided, single submitter. Criteria: LabCorp Variant Classification Summary - May 2015. Collection method: clinical testing. Allele origin: germline.
Comment: Variant summary: AGXT c.577delC (p.Leu193PhefsX19) results in a premature termination codon, predicted to cause a truncation of the encoded protein or absence of the protein due to nonsense mediated decay, which are commonly known mechanisms for disease. Truncations downstream of this position have been classified as pathogenic by our laboratory. The variant was absent in 249482 control chromosomes. c.577delC has been reported in the literature in individuals affected with Primary Hyperoxaluria Type 1 (Williams_2015, Chen_2021). To our knowledge, no experimental evidence demonstrating an impact on protein function has been reported. Two clinical diagnostic laboratories have submitted clinical-significance assessments for this variant to ClinVar after 2014 without evidence for independent evaluation. All laboratories classified the variant as pathogenic/likely pathogenic. Based on the evidence outlined above, the variant was classified as pathogenic.

Fulgent Genetics
Classification: Pathogenic for Primary hyperoxaluria, type I. Last evaluated: 2022-02-24. Review status: criteria provided, single submitter. Criteria: ACMG Guidelines, 2015. Collection method: clinical testing. Allele origin: unknown.

Chinese Inherited Urolithiasis Consortium, The Affiliated Yantai Yuhuangding Hospital of Qingdao University
Classification: Pathogenic for Primary hyperoxaluria, type I. Last evaluated: 2024-08-26. Review status: no assertion criteria provided. Collection method: clinical testing. Allele origin: maternal. Affected: yes. Observed: 2 variant alleles. Not counted in ClinVar's aggregate classification.

Counsyl
Classification: Likely pathogenic for Primary hyperoxaluria, type I. Last evaluated: 2016-07-26. Review status: no assertion criteria provided. Collection method: clinical testing. Allele origin: unknown. Not counted in ClinVar's aggregate classification.

Clinical Biochemistry Laboratory, Health Services Laboratory
Classification: Pathogenic for Primary hyperoxaluria, type I. Last evaluated: 2014-11-27. Review status: no assertion criteria provided. Collection method: research. Allele origin: germline. Affected: yes. Not counted in ClinVar's aggregate classification.

Literature cited by the submitters: PubMed 34031707 (cited by Natera, Inc. and Women's Health and Genetics/Laboratory Corporation of America, LabCorp); PubMed 19479957 (cited by Labcorp Genetics (formerly Invitae), Labcorp); PubMed 30488096 (cited by Labcorp Genetics (formerly Invitae), Labcorp); PubMed 25629080 (cited by Women's Health and Genetics/Laboratory Corporation of America, LabCorp and Counsyl).

NM_000030.3(AGXT):c.577del (p.Leu193fs)

Gene: AGXT (alanine--glyoxylate aminotransferase; plus strand). Cytogenetic location: 2q37.3.
Variant type: Deletion.
Coding change: c.577del on transcript NM_000030.3 (MANE Select); coding-DNA position 577, one base deleted (C; older notation c.577delC).
Protein change: p.Leu193fs; shifts the reading frame from leucine 193.
Molecular consequence: frameshift variant.
Genome position (GRCh38, 1-based): chr2:240,873,031, C deleted; the last of 6 consecutive C bases (chr2:240,873,026-240,873,031); deleting any one gives the same sequence. VCF-style (leftmost placement, unchanged base first): chr2-240873025-AC-A. GRCh37 (hg19) VCF-style: chr2-241812442-AC-A.
Other names: c.577del (NM_000030.2); c.577delC (NM_000030.3); short protein forms L193fs.
Identifiers: ClinVar variation 204191 (VCV000204191.29), dbSNP rs180177241, ClinGen allele CA275842.